The following is an entry in ClinVar:

NM_001163435.3(TBCK):c.2380C>T (p.Leu794Phe)

Gene: TBCK (TBC1 domain containing kinase; minus strand). Cytogenetic location: 4q24.
Variant type: single nucleotide variant.
Coding change: c.2380C>T on transcript NM_001163435.3 (MANE Select); coding-DNA position 2380, C replaced by T.
Protein change: p.Leu794Phe; replaces leucine 794 with phenylalanine.
Molecular consequence: missense variant.
Genome position (GRCh38, 1-based): chr4:106,116,234, G>A on the plus strand (C>T on the coding strand, the complement: TBCK is on the minus strand). VCF-style: chr4-106116234-G-A. GRCh37 (hg19) VCF-style: chr4-107037391-G-A.
Other names: c.2380C>T, p.Leu794Phe (NM_001163436.4); c.2263C>T, p.Leu755Phe (NM_001163437.3); c.1864C>T, p.Leu622Phe (NM_001290768.2); c.2191C>T, p.Leu731Phe (NM_033115.5); short protein forms L622F, L755F, L731F, L794F.
Identifiers: ClinVar variation 1442724 (VCV001442724.6), dbSNP rs370931233, ClinGen allele CA3034726.
Genomic context (GRCh38, chr4:106,116,234, plus strand): 5'-CCCTTTAAAACAGCATATGCAAAGGATACTCTTCACTATTCCGGATGTCAACCACCAGGA[G>A]CTTTGGTTTACTGGACTTTGTTTTCTTGCTGGGTGTTTTGAAGTGGCCTGTCACTGTGAG-3'
Protein context (NP_001156907.2, residues 784-804): SKKTKSSKPK[Leu794Phe]LVVDIRNSED

ClinVar aggregate classification (germline): Uncertain significance (1 of 4 stars; one submission).

Allele frequency attached by ClinVar (database versions not stated): TOPMed below 0.00001.
gnomAD v4.1: 10 of 1,614,042 alleles (0.00062%); highest among the groups gnomAD compares: Middle Eastern, 0.016%; no homozygotes.

Submission:

Labcorp Genetics (formerly Invitae), Labcorp
Classification: Uncertain significance. Last evaluated: 2022-02-24. Review status: criteria provided, single submitter. Criteria: Invitae Variant Classification Sherloc (09022015). Collection method: clinical testing. Allele origin: germline.
Comment: This sequence change replaces leucine, which is neutral and non-polar, with phenylalanine, which is neutral and non-polar, at codon 794 of the TBCK protein (p.Leu794Phe). This variant is not present in population databases (gnomAD no frequency). This variant has not been reported in the literature in individuals affected with TBCK-related conditions. Algorithms developed to predict the effect of missense changes on protein structure and function are either unavailable or do not agree on the potential impact of this missense change (SIFT: "Deleterious"; PolyPhen-2: "Benign"; Align-GVGD: "Class C0"). In summary, the available evidence is currently insufficient to determine the role of this variant in disease. Therefore, it has been classified as a Variant of Uncertain Significance.